The following is an entry in ClinVar:

NM_000603.5(NOS3):c.2985-531G>C

Gene: NOS3 (nitric oxide synthase 3; plus strand). Cytogenetic location: 7q36.1.
Variant type: single nucleotide variant.
Coding change: c.2985-531G>C on transcript NM_000603.5 (MANE Select); 531 bases into the intron before coding-DNA position 2985, G replaced by C.
Molecular consequence: intron variant.
Genome position (GRCh38, 1-based): chr7:151,011,820, G>C. VCF-style: chr7-151011820-G-C. GRCh37 (hg19) VCF-style: chr7-150708908-G-C.
Identifiers: ClinVar variation 2658169 (VCV002658169.24), dbSNP rs540435018, ClinGen allele CA4567559.

ClinVar aggregate classification (germline): Benign (1 of 4 stars; one submission).

Allele frequency attached by ClinVar (database versions not stated): 1000 Genomes Project 0.00100; 1000 Genomes Project 30x 0.00125.
gnomAD v4.1: 1,650 of 442,766 alleles (0.37%); highest among the groups gnomAD compares: Non-Finnish European, 0.52%; 10 homozygotes.

Submission:

CeGaT Center for Human Genetics Tuebingen
Classification: Benign. Last evaluated: 2022-06-01. Review status: criteria provided, single submitter. Criteria: CeGaT Center For Human Genetics Tuebingen Variant Classification Criteria Version 2. Collection method: clinical testing. Allele origin: germline. Affected: yes. Observed: 1 variant allele.
Comment: NOS3: BS1, BS2